The following is an entry in ClinVar:

NM_033637.4(BTRC):c.1627G>T (p.Ala543Ser)

Gene: BTRC (beta-transducin repeat containing E3 ubiquitin protein ligase; plus strand). Cytogenetic location: 10q24.32.
Variant type: single nucleotide variant.
Coding change: c.1627G>T on transcript NM_033637.4 (MANE Select); coding-DNA position 1627, G replaced by T.
Protein change: p.Ala543Ser; replaces alanine 543 with serine.
Molecular consequence: missense variant.
Genome position (GRCh38, 1-based): chr10:101,538,342, G>T. VCF-style: chr10-101538342-G-T. GRCh37 (hg19) VCF-style: chr10-103298099-G-T.
Other names: c.1549G>T, p.Ala517Ser (NM_001256856.2); c.1519G>T, p.Ala507Ser (NM_003939.5); c.1627G>T (NM_033637.3); short protein forms A507S, A517S, A543S.
Identifiers: ClinVar variation 1534223 (VCV001534223.11), dbSNP rs4151060, ClinGen allele CA5656252.

ClinVar aggregate classification (germline): Benign. Review status: criteria provided, multiple submitters, no conflicts (2 of 4 stars). 3 submissions from 3 submitters: Benign (2). 1 of the submissions does not count toward it. Last evaluated 2026-01-27.

Conditions:
BTRC-related disorder. Also called: BTRC-related condition.

Allele frequency attached by ClinVar (database versions not stated): 1000 Genomes Project 30x 0.01343; 1000 Genomes Project 0.01378; ExAC 0.02860; gnomAD exomes 0.02939 and 0.04664; TOPMed 0.02952; gnomAD 0.03014 and 0.03122; ESP Exome Variant Server 0.03545.
gnomAD v4.1: 72,355 of 1,613,758 alleles (4.5%); highest among the groups gnomAD compares: Non-Finnish European, 5.5%; 2,023 homozygotes.

Submissions (3):

Labcorp Genetics (formerly Invitae), Labcorp
Classification: Benign. Last evaluated: 2026-01-27. Review status: criteria provided, single submitter. Criteria: Invitae Variant Classification Sherloc (09022015). Collection method: clinical testing. Allele origin: germline.

Breakthrough Genomics
Classification: Benign. Review status: criteria provided, single submitter. Criteria: ACMG Guidelines, 2015. Collection method: not provided. Allele origin: germline. Inheritance: Unknown mechanism. Affected: yes.

PreventionGenetics, part of Exact Sciences
Classification: Benign for BTRC-related condition. Last evaluated: 2019-03-07. Review status: no assertion criteria provided. Collection method: clinical testing. Allele origin: germline. Not counted in ClinVar's aggregate classification.
Comment: This variant is classified as benign based on ACMG/AMP sequence variant interpretation guidelines (Richards et al. 2015 PMID: 25741868, with internal and published modifications).